The following is an entry in ClinVar:

ClinVar aggregate classification (germline): Likely benign (1 of 4 stars; one submission).

Submission:

CeGaT Center for Human Genetics Tuebingen
Classification: Likely benign. Last evaluated: 2025-06-01. Review status: criteria provided, single submitter. Criteria: CeGaT Center For Human Genetics Tuebingen Variant Classification Criteria Version 2. Collection method: clinical testing. Allele origin: germline. Affected: yes. Observed: 1 variant allele.
Comment: CROCC2: BS2

NM_001351305.2(CROCC2):c.229+8_229+133del

Gene: CROCC2 (ciliary rootlet coiled-coil, rootletin family member 2; plus strand). Cytogenetic location: 2q37.3.
Variant type: Deletion.
Coding change: c.229+8_229+133del on transcript NM_001351305.2 (MANE Select); bases 8 to 133 of the intron after coding-DNA position 229, 126 bases deleted.
Molecular consequence: splice donor variant.
Genome position (GRCh38, 1-based): chr2:240,918,884-240,919,009, 126 bases deleted. GRCh37 (hg19): chr2:241,858,301-241,858,426.
Identifiers: ClinVar variation 4084387 (VCV004084387.8).